The following is an entry in ClinVar:

NM_001267550.2(TTN):c.51436+1G>A

Genes: TTN-AS1 (TTN antisense RNA 1; plus strand), TTN (titin; minus strand). Cytogenetic location: 2q31.2.
Variant type: single nucleotide variant.
Coding change: c.51436+1G>A on transcript NM_001267550.2 (MANE Select); the canonical splice donor site of the intron after coding-DNA position 51436, G replaced by A.
Molecular consequence: splice donor variant.
Genome position (GRCh38, 1-based): chr2:178,610,089, C>T on the plus strand (G>A on the coding strand, the complement: TTN is on the minus strand). VCF-style: chr2-178610089-C-T. GRCh37 (hg19) VCF-style: chr2-179474816-C-T.
Other names: c.24241+1G>A (NM_003319.4); c.24817+1G>A (NM_133437.4); c.24616+1G>A (NM_133432.3); c.43732+1G>A (NM_133378.4); c.46513+1G>A (NM_001256850.1).
Identifiers: ClinVar variation 202384 (VCV000202384.48), dbSNP rs761807131, ClinGen allele CA309257.

ClinVar aggregate classification (germline): Conflicting classifications of pathogenicity. Review status: criteria provided, conflicting classifications (1 of 4 stars). 8 submissions from 8 submitters: Pathogenic (2); Likely pathogenic (3); Uncertain significance (2). 1 of the submissions does not count toward it. Last evaluated 2026-06-10.

Conditions:
Dilated cardiomyopathy 1G (CMD1G). Identifiers: Orphanet 154, MedGen C1858763, MONDO:0011400, OMIM 604145.
Autosomal recessive limb-girdle muscular dystrophy type 2J (LGMDR10). Also called: MUSCULAR DYSTROPHY, LIMB-GIRDLE, AUTOSOMAL RECESSIVE 10; Limb-girdle muscular dystrophy, type 2J. Identifiers: Orphanet 140922, MedGen C1837342, MONDO:0012127, OMIM 608807.
TTN-related disorder. Also called: TTN-related disorders; TTN-related condition; TTN-related disease.
Cardiovascular phenotype. Identifiers: MedGen CN230736.
Dilated cardiomyopathy 1S (CMD1S). Identifiers: Orphanet 154, Orphanet 54260, MedGen C1834481, MONDO:0013262, OMIM 613426.
Hypertrophic cardiomyopathy 9. Also called: Familial hypertrophic cardiomyopathy 9. Identifiers: MedGen C1861065, MONDO:0013412, OMIM 613765.
Primary dilated cardiomyopathy (DCM). Also called: Dilated Cardiomyopathy. Identifiers: Orphanet 217604, MedGen C0007193, MeSH D002311, MONDO:0005021, HP:0001644. Inheritance: Various modes of inheritance.

Allele frequency attached by ClinVar (database versions not stated): gnomAD exomes below 0.00001 and 0.00001; TOPMed below 0.00001; ExAC 0.00001; gnomAD 0.00001.
gnomAD v4.1: 9 of 1,612,510 alleles (0.00056%); highest among the groups gnomAD compares: African/African-American, 0.0013%; no homozygotes.

Submissions (8):

Ambry Genetics
Classification: Uncertain significance for Cardiovascular phenotype. Last evaluated: 2026-06-10. Review status: criteria provided, single submitter. Criteria: Ambry Variant Classification Scheme 2023. Collection method: clinical testing. Allele origin: germline.
Comment: The c.24241+1G>A intronic variant results from a G to A substitution one nucleotide after coding exon 98 of the TTN gene. This exon is located in the A-band region of the N2-B isoform of the titin protein and is constitutively expressed in TTN transcripts (percent spliced in or PSI 100%). This variant (also referred to as c.51436+1G>A and 2:179474816C>T) has been detected in an individual with dilated cardiomyopathy and in an individual from a developmental disorders cohort (Klauke B et al. PLoS One, 2017 Dec;12:e0189489; McRae JF et al. Nature, 2017 Feb;542:433-438). This nucleotide position is highly conserved in available vertebrate species. In silico splice site analysis predicts that this alteration will weaken the native splice donor site. This alteration disrupts the canonical splice site and is expected to cause aberrant splicing. However, although direct evidence is unavailable, this alteration is predicted to result in an in-frame transcript that is not expected to trigger nonsense-mediated mRNA decay. The exact functional effect of the predicted splice impact is unknown. Since supporting evidence is limited at this time, the clinical significance of this alteration remains unclear.

Labcorp Genetics (formerly Invitae), Labcorp
Classification: Pathogenic for Dilated cardiomyopathy 1G; Autosomal recessive limb-girdle muscular dystrophy type 2J. Last evaluated: 2026-01-14. Review status: criteria provided, single submitter. Criteria: Invitae Variant Classification Sherloc (09022015). Collection method: clinical testing. Allele origin: germline.
Comment: This sequence change affects a donor splice site in intron 271 of the TTN gene. It is expected to disrupt RNA splicing and likely results in a truncated or disrupted TTN protein. This variant is present in population databases (rs761807131, gnomAD 0.0009%). Disruption of this splice site has been observed in individuals with dilated cardiomyopathy (PMID: 29253866; internal data). ClinVar contains an entry for this variant (Variation ID: 202384). Algorithms developed to predict the effect of sequence changes on RNA splicing suggest that this variant may disrupt the consensus splice site. This variant is located in the A band of TTN (PMID: 25589632). Truncating variants in this region are significantly overrepresented in patients affected with dilated cardiomyopathy (PMID: 25589632). Truncating variants in this region have also been reported in individuals affected with autosomal recessive centronuclear myopathy (PMID: 23975875). For these reasons, this variant has been classified as Pathogenic.

PreventionGenetics, part of Exact Sciences
Classification: Likely pathogenic for TTN-related condition. Last evaluated: 2025-12-20. Review status: criteria provided, single submitter. Criteria: ACMG Guidelines, 2015. Collection method: clinical testing. Allele origin: germline.
Comment: The TTN c.51436+1G>A variant is predicted to disrupt the GT donor site and interfere with normal splicing. This variant has been reported in individuals with dilated cardiomyopathy (Patient DCM-16, Supp Table 5 in Klauke et al. 2017. PubMed ID: 29253866; Supplementary Table 4, Bourfiss et al. 2022. PubMed ID: 36264615; Table S2, Xiao et al. 2021. PubMed ID: 33996946). This variant is reported in 0.00089% of alleles in individuals of European (Non-Finnish) descent in gnomAD. This variant is located in the A-band region of the protein in which truncating TTN variants have been found more frequently in dilated cardiomyopathy patients than in controls (Herman et al. 2012. PubMed ID: 22335739). RNAseq studies from heart tissue indicate this exon is commonly included in TTN mRNA transcripts (PSI of 95%-100%, Roberts et al. 2015. PubMed ID: 25589632). TTN loss-of-function variants occurring in constitutively expressed exons (PSI > 90%) are more likely to be disease causing for TTN cardiac-related disorders regardless of band location (Roberts et al. 2015. PubMed ID: 25589632; Schafer et al. 2017. PubMed ID: 27869827; Akhtar et al. 2020. PubMed ID: 32964742). Many cases of recessive TTN-related myopathies in which the individual is compound heterozygous for two loss-of-function variants in TTN have also been reported (Ge et al. 2019. PubMed ID: 31053406; Oates et al. 2018. PubMed ID: 29691892; Rees et al. 2021. PubMed ID: 33449170). In summary, this variant is categorized as likely pathogenic. Of note, this variant is considered likely pathogenic for increased risk of TTN-related cardiac disorders, and also for autosomal recessive TTN-related congenital titinopathies.

Institute of Human Genetics Munich, TUM University Hospital
Classification: Likely pathogenic for Hypertrophic cardiomyopathy 9. Last evaluated: 2023-10-11. Review status: criteria provided, single submitter. Criteria: Classification criteria August 2017. Collection method: clinical testing. Allele origin: germline. Inheritance: Autosomal dominant inheritance. Affected: yes. Observed: 1 variant allele.

GeneDx
Classification: Likely pathogenic. Last evaluated: 2023-10-06. Review status: criteria provided, single submitter. Criteria: GeneDx Variant Classification Process June 2021. Collection method: clinical testing. Allele origin: germline. Affected: yes.
Comment: Has been reported in association with DCM (Klauke et al., 2017; Bourfiss et al., 2022); Not observed at a significant frequency in large population cohorts (gnomAD); Located in the A-band region of TTN in which the majority of loss of function variants have been associated with autosomal dominant titinopathies (Herman et al., 2012); Canonical splice site variant predicted to result in an in-frame loss of the adjacent exon in a gene for which loss of function is a known mechanism of disease; This variant is associated with the following publications: (PMID: 28135719, 31785789, 22335739, 29253866, 36264615)

Revvity Omics, Revvity
Classification: Pathogenic. Last evaluated: 2023-03-06. Review status: criteria provided, single submitter. Criteria: ACMG Guidelines, 2015. Collection method: clinical testing. Allele origin: germline.

Center for Human Genetics, University of Leuven
Classification: Uncertain significance for Primary dilated cardiomyopathy. Last evaluated: 2022-12-31. Review status: criteria provided, single submitter. Criteria: ACMG Guidelines, 2015. Collection method: clinical testing. Allele origin: germline. Affected: yes.

Institut für Laboratoriums- und Transfusionsmedizin, Herz- und Diabeteszentrum Nordrhein-Westfalen
Classification: Likely pathogenic for Dilated cardiomyopathy 1S. Last evaluated: 2016-05-01. Review status: no assertion criteria provided. Collection method: clinical testing. Allele origin: germline. Affected: yes. Observed: 1 variant allele. Not counted in ClinVar's aggregate classification.

Literature cited by the submitters: PubMed 28135719 (cited by Ambry Genetics); PubMed 29253866 (cited by Ambry Genetics and Labcorp Genetics (formerly Invitae), Labcorp); PubMed 25589632 (cited by Labcorp Genetics (formerly Invitae), Labcorp); PubMed 23975875 (cited by Labcorp Genetics (formerly Invitae), Labcorp).